The following is an entry in ClinVar:

NM_006267.5(RANBP2):c.3653A>G (p.Asn1218Ser)

Gene: RANBP2 (RAN binding protein 2; plus strand). Cytogenetic location: 2q13.
Variant type: single nucleotide variant.
Coding change: c.3653A>G on transcript NM_006267.5 (MANE Select); coding-DNA position 3653, A replaced by G.
Protein change: p.Asn1218Ser; replaces asparagine 1218 with serine.
Molecular consequence: missense variant.
Genome position (GRCh38, 1-based): chr2:108,764,192, A>G. VCF-style: chr2-108764192-A-G. GRCh37 (hg19) VCF-style: chr2-109380648-A-G.
Other names: short protein forms N1218S.
Identifiers: ClinVar variation 469457 (VCV000469457.10), dbSNP rs146109021, ClinGen allele CA1822983.

ClinVar aggregate classification (germline): Uncertain significance (1 of 4 stars; one submission).

Conditions:
Familial acute necrotizing encephalopathy (IIAE3). Also called: Susceptibility to Acute Necrotizing Encephalopathy 1; ENCEPHALOPATHY, ACUTE, INFECTION-INDUCED, SUSCEPTIBILITY TO, 3. Identifiers: Orphanet 88619, MedGen C2675556, MONDO:0011953, OMIM 608033.

Allele frequency attached by ClinVar (database versions not stated): ExAC 0.00004; gnomAD exomes 0.00004; ESP Exome Variant Server 0.00015; gnomAD 0.00015 and 0.00016; 1000 Genomes Project 0.00020; TOPMed 0.00026; 1000 Genomes Project 30x 0.00031.
gnomAD v4.1: 43 of 1,614,096 alleles (0.0027%); highest among the groups gnomAD compares: African/African-American, 0.039%; no homozygotes.

Submission:

Labcorp Genetics (formerly Invitae), Labcorp
Classification: Uncertain significance for Familial acute necrotizing encephalopathy. Last evaluated: 2025-05-05. Review status: criteria provided, single submitter. Criteria: Invitae Variant Classification Sherloc (09022015). Collection method: clinical testing. Allele origin: germline.
Comment: This sequence change replaces asparagine, which is neutral and polar, with serine, which is neutral and polar, at codon 1218 of the RANBP2 protein (p.Asn1218Ser). This variant is present in population databases (rs146109021, gnomAD 0.05%), and has an allele count higher than expected for a pathogenic variant. This variant has not been reported in the literature in individuals affected with RANBP2-related conditions. ClinVar contains an entry for this variant (Variation ID: 469457). An algorithm developed to predict the effect of missense changes on protein structure and function (PolyPhen-2) suggests that this variant is likely to be tolerated. In summary, the available evidence is currently insufficient to determine the role of this variant in disease. Therefore, it has been classified as a Variant of Uncertain Significance.